The following is an entry in ClinVar:

ClinVar aggregate classification (germline): Benign. Review status: criteria provided, multiple submitters, no conflicts (2 of 4 stars). 2 submissions from 2 submitters: Benign (2). Last evaluated 2017-04-27.

Conditions:
Fanconi anemia complementation group F. Also called: FANCF-Related Fanconi Anemia. Identifiers: Orphanet 84, MedGen C3469526, MONDO:0011325, OMIM 603467.

Allele frequency attached by ClinVar (database versions not stated): gnomAD exomes 0.00155; 1000 Genomes Project 30x 0.00781; gnomAD 0.00853 and 0.00915; 1000 Genomes Project 0.00919; TOPMed 0.00984.
gnomAD v4.1: 1,391 of 211,104 alleles (0.66%); highest among the groups gnomAD compares: African/African-American, 3%; 17 homozygotes.

Submissions (2):

Illumina Laboratory Services, Illumina
Classification: Benign for Fanconi anemia complementation group F. Last evaluated: 2017-04-27. Review status: criteria provided, single submitter. Criteria: ICSL Variant Classification Criteria 13 December 2019. Collection method: clinical testing. Allele origin: germline.
Comment: This variant was observed as part of a predisposition screen in an ostensibly healthy population. A literature search was performed for the gene, cDNA change, and amino acid change (where applicable). No publications were found based on this search. Allele frequency data from public databases was too high to be consistent with this variant causing disease. Therefore, this variant is classified as benign.

Breakthrough Genomics
Classification: Benign. Review status: criteria provided, single submitter. Criteria: ACMG Guidelines, 2015. Collection method: not provided. Allele origin: germline. Inheritance: Autosomal recessive inheritance. Affected: yes.

NM_022725.4(FANCF):c.*738T>G

Gene: FANCF (FA complementation group F; minus strand). Cytogenetic location: 11p14.3.
Variant type: single nucleotide variant.
Coding change: c.*738T>G on transcript NM_022725.4 (MANE Select); 738 bases downstream of the stop codon, T replaced by G.
Molecular consequence: 3 prime UTR variant.
Genome position (GRCh38, 1-based): chr11:22,623,948, A>C on the plus strand (T>G on the coding strand, the complement: FANCF is on the minus strand). VCF-style: chr11-22623948-A-C. GRCh37 (hg19) VCF-style: chr11-22645494-A-C.
Identifiers: ClinVar variation 879477 (VCV000879477.5), dbSNP rs76674060, ClinGen allele CA219086525.